The following is an entry in ClinVar:

ClinVar aggregate classification (germline): Uncertain significance. Review status: criteria provided, multiple submitters, no conflicts (2 of 4 stars). 2 submissions from 2 submitters: Uncertain significance (2). Last evaluated 2023-10-14.

Conditions:
Baller-Gerold syndrome (BGS). Also called: CRANIOSYNOSTOSIS WITH RADIAL DEFECTS. Identifiers: Orphanet 1225, MedGen C0265308, MONDO:0009039, OMIM 218600.

Allele frequency attached by ClinVar (database versions not stated): TOPMed below 0.00001; gnomAD 0.00001; gnomAD exomes 0.00001.

Submissions (2):

Labcorp Genetics (formerly Invitae), Labcorp
Classification: Uncertain significance for Baller-Gerold syndrome. Last evaluated: 2023-10-14. Review status: criteria provided, single submitter. Criteria: Invitae Variant Classification Sherloc (09022015). Collection method: clinical testing. Allele origin: germline.
Comment: This sequence change replaces cysteine, which is neutral and slightly polar, with phenylalanine, which is neutral and non-polar, at codon 897 of the RECQL4 protein (p.Cys897Phe). This variant is not present in population databases (gnomAD no frequency). This variant has not been reported in the literature in individuals affected with RECQL4-related conditions. ClinVar contains an entry for this variant (Variation ID: 1039736). Advanced modeling of protein sequence and biophysical properties (such as structural, functional, and spatial information, amino acid conservation, physicochemical variation, residue mobility, and thermodynamic stability) performed at Invitae indicates that this missense variant is expected to disrupt RECQL4 protein function. In summary, the available evidence is currently insufficient to determine the role of this variant in disease. Therefore, it has been classified as a Variant of Uncertain Significance.

Blueprint Genetics
Classification: Uncertain significance. Last evaluated: 2023-08-24. Review status: criteria provided, single submitter. Criteria: ACMG Guidelines, 2015. Collection method: clinical testing. Allele origin: germline.

NM_004260.4(RECQL4):c.2690G>T (p.Cys897Phe)

Gene: RECQL4 (RecQ like helicase 4; minus strand). Cytogenetic location: 8q24.3.
Variant type: single nucleotide variant.
Coding change: c.2690G>T on transcript NM_004260.4 (MANE Select); coding-DNA position 2690, G replaced by T.
Protein change: p.Cys897Phe; replaces cysteine 897 with phenylalanine.
Molecular consequence: missense variant.
Genome position (GRCh38, 1-based): chr8:144,512,912, C>A on the plus strand (G>T on the coding strand, the complement: RECQL4 is on the minus strand). VCF-style: chr8-144512912-C-A. GRCh37 (hg19) VCF-style: chr8-145738295-C-A.
Other names: short protein forms C897F.
Identifiers: ClinVar variation 1039736 (VCV001039736.6), dbSNP rs1393217982, ClinGen allele CA372675213.